The following is an entry in ClinVar:

ClinVar aggregate classification (germline): Uncertain significance. Review status: criteria provided, single submitter (1 of 4 stars). 2 submissions from 2 submitters: Uncertain significance (1). 1 of the submissions does not count toward it. Last evaluated 2025-03-28.

Conditions:
NRP2-related disorder. Also called: NRP2-related condition.

Allele frequency attached by ClinVar (database versions not stated): gnomAD exomes below 0.00001.
gnomAD v4.1: 1 of 1,611,180 alleles (0.000062%); highest among the groups gnomAD compares: Non-Finnish European, 0.000085%; no homozygotes.

Submissions (2):

Ambry Genetics
Classification: Uncertain significance. Last evaluated: 2025-03-28. Review status: criteria provided, single submitter. Criteria: Ambry Variant Classification Scheme 2023. Collection method: clinical testing. Allele origin: germline.

PreventionGenetics, part of Exact Sciences
Classification: Uncertain significance for NRP2-related condition. Last evaluated: 2023-11-29. Review status: no assertion criteria provided. Collection method: clinical testing. Allele origin: germline. Not counted in ClinVar's aggregate classification.
Comment: The NRP2 c.2402T>C variant is predicted to result in the amino acid substitution p.Met801Thr. To our knowledge, this variant has not been reported in the literature. This variant is reported in 0.00088% of alleles in individuals of European (Non-Finnish) descent in gnomAD. At this time, the clinical significance of this variant is uncertain due to the absence of conclusive functional and genetic evidence.

NM_003872.3(NRP2):c.2402T>C (p.Met801Thr)

Gene: NRP2 (neuropilin 2; plus strand). Cytogenetic location: 2q33.3.
Variant type: single nucleotide variant.
Coding change: c.2402T>C on transcript NM_003872.3 (MANE Select); coding-DNA position 2402, T replaced by C.
Protein change: p.Met801Thr; replaces methionine 801 with threonine.
Molecular consequence: missense variant.
Genome position (GRCh38, 1-based): chr2:205,765,568, T>C. VCF-style: chr2-205765568-T-C. GRCh37 (hg19) VCF-style: chr2-206630292-T-C.
Other names: c.2402T>C, p.Met801Thr (NM_018534.4, NM_201266.2, NM_201267.2 and 1 more transcripts); short protein forms M801T.
Identifiers: ClinVar variation 3061721 (VCV003061721.3), dbSNP rs1238554121, ClinGen allele CA350036990.
Genomic context (GRCh38, chr2:205,765,568, plus strand): 5'-CCGGAGAGATTGCCATTGATGACATTCGGATAAGCACTGATGTCCCACTGGAGAACTGCA[T>C]GGGTATGTGAATATCTGTCTCTTCATGGTTCTTTCAAATAAGACCCCAAGGGCTGGGATA-3'
Protein context (NP_003863.2, residues 791-811): ISTDVPLENC[Met801Thr]EPISAFAVDI